The following is an entry in ClinVar:

ClinVar aggregate classification (germline): Uncertain significance. Review status: criteria provided, single submitter (1 of 4 stars). 2 submissions from 2 submitters: Uncertain significance (1). 1 of the submissions does not count toward it. Last evaluated 2020-09-14.

Conditions:
CACNA1H-related disorder.

Allele frequency attached by ClinVar (database versions not stated): ExAC 0.00001.
gnomAD v4.1: 3 of 1,611,972 alleles (0.00019%); highest among the groups gnomAD compares: Non-Finnish European, 0.00025%; no homozygotes.

Submissions (2):

Athena Diagnostics
Classification: Uncertain significance. Last evaluated: 2020-09-14. Review status: criteria provided, single submitter. Criteria: Athena Diagnostics criteria. Collection method: clinical testing. Allele origin: unknown.

PreventionGenetics, part of Exact Sciences
Classification: Uncertain significance for CACNA1H-related condition. Last evaluated: 2024-03-25. Review status: no assertion criteria provided. Collection method: clinical testing. Allele origin: germline. Not counted in ClinVar's aggregate classification.
Comment: The CACNA1H c.1017C>G variant is predicted to result in the amino acid substitution p.Asn339Lys. To our knowledge, this variant has not been reported in the literature. This variant is reported in 0.00090% of alleles in individuals of European (Non-Finnish) descent in gnomAD. At this time, the clinical significance of this variant is uncertain due to the absence of conclusive functional and genetic evidence.

NM_021098.3(CACNA1H):c.1017C>G (p.Asn339Lys)

Gene: CACNA1H (calcium voltage-gated channel subunit alpha1 H; plus strand). Cytogenetic location: 16p13.3.
Variant type: single nucleotide variant.
Coding change: c.1017C>G on transcript NM_021098.3 (MANE Select); coding-DNA position 1017, C replaced by G.
Protein change: p.Asn339Lys; replaces asparagine 339 with lysine.
Molecular consequence: missense variant.
Genome position (GRCh38, 1-based): chr16:1,200,469, C>G. VCF-style: chr16-1200469-C-G. GRCh37 (hg19) VCF-style: chr16-1250469-C-G.
Other names: c.1017C>G, p.Asn339Lys (NM_001005407.2); short protein forms N339K.
Identifiers: ClinVar variation 1256298 (VCV001256298.2), dbSNP rs753307543, ClinGen allele CA7799753.